The following is an entry in ClinVar:

ClinVar aggregate classification (germline): Uncertain significance (1 of 4 stars; one submission).

Allele frequency attached by ClinVar (database versions not stated): gnomAD exomes below 0.00001.
gnomAD v4.1: 1 of 1,599,214 alleles (0.000063%); highest among the groups gnomAD compares: Admixed American, 0.0017%; no homozygotes.

Submission:

Labcorp Genetics (formerly Invitae), Labcorp
Classification: Uncertain significance. Last evaluated: 2022-07-03. Review status: criteria provided, single submitter. Criteria: Invitae Variant Classification Sherloc (09022015). Collection method: clinical testing. Allele origin: germline.
Comment: In summary, the available evidence is currently insufficient to determine the role of this variant in disease. Therefore, it has been classified as a Variant of Uncertain Significance. Algorithms developed to predict the effect of missense changes on protein structure and function are either unavailable or do not agree on the potential impact of this missense change (SIFT: "Deleterious"; PolyPhen-2: "Benign"; Align-GVGD: "Class C0"). This variant has not been reported in the literature in individuals affected with AHDC1-related conditions. This variant is not present in population databases (gnomAD no frequency). This sequence change replaces isoleucine, which is neutral and non-polar, with threonine, which is neutral and polar, at codon 392 of the AHDC1 protein (p.Ile392Thr).

NM_001371928.1(AHDC1):c.1175T>C (p.Ile392Thr)

Gene: AHDC1 (AT-hook DNA binding motif containing 1; minus strand). Cytogenetic location: 1p36.11.
Variant type: single nucleotide variant.
Coding change: c.1175T>C on transcript NM_001371928.1 (MANE Select); coding-DNA position 1175, T replaced by C.
Protein change: p.Ile392Thr; replaces isoleucine 392 with threonine.
Molecular consequence: missense variant.
Genome position (GRCh38, 1-based): chr1:27,550,941, A>G on the plus strand (T>C on the coding strand, the complement: AHDC1 is on the minus strand). VCF-style: chr1-27550941-A-G. GRCh37 (hg19) VCF-style: chr1-27877452-A-G.
Other names: c.1175T>C, p.Ile392Thr (NM_001029882.3); short protein forms I392T.
Identifiers: ClinVar variation 2039145 (VCV002039145.4), dbSNP rs2522037201, ClinGen allele CA339234943.
Genomic context (GRCh38, chr1:27,550,941, plus strand): 5'-CGGCCCTCGGGTCCGGCGTCTGCCTTGCGTCCCCGTCCGGCTTTCCGCCGGCGACACAGG[A>G]TCTTTGGCCTATCAGTGCGCCGCAAGGCGTACTTGGGGTGACCCTCAGGCCCGGGGGGGC-3'
Protein context (NP_001358857.1, residues 382-402): YALRRTDRPK[Ile392Thr]LCRRRKAGRG